The following is an entry in ClinVar:

ClinVar aggregate classification (germline): Uncertain significance (1 of 4 stars; one submission).

gnomAD v4.1: 36 of 1,551,390 alleles (0.0023%); highest among the groups gnomAD compares: Middle Eastern, 0.018%; no homozygotes.

Submission:

GeneDx
Classification: Uncertain significance. Last evaluated: 2023-05-05. Review status: criteria provided, single submitter. Criteria: GeneDx Variant Classification Process June 2021. Collection method: clinical testing. Allele origin: germline. Affected: yes.
Comment: In silico analysis supports that this missense variant does not alter protein structure/function; Has not been previously published as pathogenic or benign to our knowledge

NM_001146079.2(CLDN14):c.10A>G (p.Thr4Ala)

Genes: CLDN14 (claudin 14; minus strand), CLDN14-AS1 (CLDN14 antisense RNA 1; plus strand). Cytogenetic location: 21q22.13.
Variant type: single nucleotide variant.
Coding change: c.10A>G on transcript NM_001146079.2 (MANE Select); coding-DNA position 10, A replaced by G.
Protein change: p.Thr4Ala; replaces threonine 4 with alanine.
Molecular consequence: missense variant.
Genome position (GRCh38, 1-based): chr21:36,461,686, T>C on the plus strand (A>G on the coding strand, the complement: CLDN14 is on the minus strand). VCF-style: chr21-36461686-T-C. GRCh37 (hg19) VCF-style: chr21-37833984-T-C.
Other names: c.10A>G, p.Thr4Ala (NM_001146077.2, NM_001146078.3, NM_012130.4 and 1 more transcripts); short protein forms T4A.
Identifiers: ClinVar variation 3343233 (VCV003343233.1).